The following is an entry in ClinVar:

NM_016180.5(SLC45A2):c.1076_1077del (p.Glu359fs)

Gene: SLC45A2 (solute carrier family 45 member 2; minus strand). Cytogenetic location: 5p13.2.
Variant type: Microsatellite.
Coding change: c.1076_1077del on transcript NM_016180.5 (MANE Select); coding-DNA positions 1076 to 1077, 2 bases deleted (AG; older notation c.1076_1077delAG).
Protein change: p.Glu359fs; shifts the reading frame from glutamic acid 359.
Molecular consequence: frameshift variant. On other transcripts: 3 prime UTR variant (1).
Genome position (GRCh38, 1-based): chr5:33,951,633-33,951,634, CT deleted on the plus strand (AG on the coding strand, the reverse complement: SLC45A2 is on the minus strand); deleting any 2 consecutive bases within chr5:33,951,633-33,951,636 gives the same sequence; the c. name uses the placement nearest the transcript's 3' end. VCF-style (leftmost placement, unchanged base first): chr5-33951632-ACT-A. GRCh37 (hg19) VCF-style: chr5-33951737-ACT-A.
Other names: c.1076_1077del, p.Glu359fs (NM_001012509.4); c.*16AG[1] (NM_001297417.4); c.1076_1077delAG (NM_016180.4, NM_016180.5); short protein forms E359fs.
Identifiers: ClinVar variation 353216 (VCV000353216.18), dbSNP rs753485165, ClinGen allele CA3225588.

ClinVar aggregate classification (germline): Pathogenic. Review status: criteria provided, multiple submitters, no conflicts (2 of 4 stars). 6 submissions from 6 submitters: Pathogenic (6). Last evaluated 2026-08-31.

Conditions:
SLC45A2-related disorder. Also called: SLC45A2-related condition.
SKIN/HAIR/EYE PIGMENTATION 5, BLACK/NONBLACK HAIR (SHEP5). Also called: SKIN/HAIR/EYE PIGMENTATION 5, DARK/FAIR SKIN; SKIN/HAIR/EYE PIGMENTATION 5, DARK/LIGHT EYES; SKIN/HAIR/EYE PIGMENTATION, VARIATION IN, 5. Identifiers: MedGen C2673584, OMIM 227240.
Oculocutaneous albinism type 4 (OCA4). Also called: Albinism, oculocutaneous, type IV. Identifiers: Orphanet 79435, MedGen C1847836, MONDO:0011683, OMIM 606574.

Submissions (6):

PreventionGenetics, part of Exact Sciences
Classification: Pathogenic for SLC45A2-related condition. Last evaluated: 2026-08-31. Review status: criteria provided, single submitter. Criteria: ACMG Guidelines, 2015. Collection method: clinical testing. Allele origin: germline.
Comment: The SLC45A2 c.1076_1077delAG variant is predicted to result in a frameshift and premature protein termination (p.Glu359Valfs*85). This variant has been reported in individuals with oculocutaneous albinism (Table 1, Patient 109, Hutton et al. 2008. PubMed ID: 18463683; Table 1, Chuan et al. 2020. PubMed ID: 32552135). This variant is reported in 0.068% of alleles in individuals of Ashkenazi Jewish descent in gnomAD. Frameshift variants in SLC45A2 are expected to be pathogenic. This variant is interpreted as likely pathogenic.

Labcorp Genetics (formerly Invitae), Labcorp
Classification: Pathogenic. Last evaluated: 2025-06-03. Review status: criteria provided, single submitter. Criteria: Invitae Variant Classification Sherloc (09022015). Collection method: clinical testing. Allele origin: germline.
Comment: This sequence change creates a premature translational stop signal (p.Glu359Valfs*85) in the SLC45A2 gene. While this is not anticipated to result in nonsense mediated decay, it is expected to disrupt the last 172 amino acid(s) of the SLC45A2 protein. This variant is present in population databases (rs753485165, gnomAD 0.07%). This premature translational stop signal has been observed in individual(s) with oculocutaneous albinism (PMID: 18463683). This variant is also known as c.1074-1077delAG. This variant disrupts a region of the SLC45A2 protein in which other variant(s) (p.Pro419Leu) have been determined to be pathogenic (PMID: 19865097, 21287499, 28976636). This suggests that this is a clinically significant region of the protein, and that variants that disrupt it are likely to be disease-causing. For these reasons, this variant has been classified as Pathogenic.

First Genomix Gene Laboratory, Genetic Diagnostics Department
Classification: Pathogenic for Oculocutaneous albinism type 4. Last evaluated: 2025-05-22. Review status: criteria provided, single submitter. Criteria: ACMG Guidelines, 2015. Collection method: clinical testing. Allele origin: germline. Inheritance: Autosomal recessive inheritance. Affected: no. Observed: 1 variant allele.

Revvity Omics, Revvity
Classification: Pathogenic. Last evaluated: 2025-03-03. Review status: criteria provided, single submitter. Criteria: ACMG Guidelines, 2015. Collection method: clinical testing. Allele origin: germline.

Fulgent Genetics
Classification: Pathogenic for SKIN/HAIR/EYE PIGMENTATION 5, BLACK/NONBLACK HAIR; Oculocutaneous albinism type 4. Last evaluated: 2024-03-13. Review status: criteria provided, single submitter. Criteria: ACMG Guidelines, 2015. Collection method: clinical testing. Allele origin: germline.

Genetic Services Laboratory, University of Chicago
Classification: Pathogenic for Albinism, oculocutaneous, type IV. Last evaluated: 2016-01-07. Review status: criteria provided, single submitter. Criteria: ACMG Guidelines, 2015. Collection method: clinical testing. Allele origin: germline. Affected: yes.

Literature cited by the submitters: PubMed 18463683 (cited by Labcorp Genetics (formerly Invitae), Labcorp); PubMed 19865097 (cited by Labcorp Genetics (formerly Invitae), Labcorp); PubMed 21287499 (cited by Labcorp Genetics (formerly Invitae), Labcorp); PubMed 28976636 (cited by Labcorp Genetics (formerly Invitae), Labcorp).